The following is an entry in ClinVar:

ClinVar aggregate classification (germline): Pathogenic (1 of 4 stars; one submission).

Conditions:
Myofibrillar myopathy 5. Also called: FILAMINOPATHY, AUTOSOMAL DOMINANT; Filaminopathy (type). Identifiers: Orphanet 171445, MedGen C1836050, MONDO:0012289, OMIM 609524.
Distal myopathy with posterior leg and anterior hand involvement. Also called: WILLIAMS DISTAL MYOPATHY. Identifiers: Orphanet 63273, MedGen C3279722, MONDO:0013550, OMIM 614065.
Dilated Cardiomyopathy, Dominant.
Hypertrophic cardiomyopathy 26. Also called: Cardiomyopathy, familial hypertrophic, 26. Identifiers: Orphanet 75249, MedGen C4310749, MONDO:0014883, OMIM 617047.

Submission:

Labcorp Genetics (formerly Invitae), Labcorp
Classification: Pathogenic for Distal myopathy with posterior leg and anterior hand involvement; Myofibrillar myopathy 5; Hypertrophic cardiomyopathy 26. Last evaluated: 2023-08-01. Review status: criteria provided, single submitter. Criteria: Invitae Variant Classification Sherloc (09022015). Collection method: clinical testing. Allele origin: unknown.
Comment: For these reasons, this variant has been classified as Pathogenic. This variant disrupts a region of the FLNC protein in which other variant(s) (p.Trp2710*) have been determined to be pathogenic (PMID: 15929027, 22961544; Invitae). This suggests that this is a clinically significant region of the protein, and that variants that disrupt it are likely to be disease-causing. This variant has not been reported in the literature in individuals affected with FLNC-related conditions. This variant results in the deletion of exons 41-48 and part of exon 40 (c.6624_*46979del) of the FLNC gene. While this deletion is not anticipated to lead to nonsense mediated decay, it is expected to alter mRNA translation or result in a truncated protein product.

Literature cited by the submitters: PubMed 15929027; PubMed 22961544.

NC_000007.13:g.(?_128494167)_(128545556_?)del

Genes: ATP6V1F (ATPase H+ transporting V1 subunit F; plus strand), KCP (kielin cysteine rich BMP regulator; minus strand), FLNC (filamin C; plus strand). Cytogenetic location: 7q32.1.
Variant type: Deletion.
Identifiers: ClinVar variation 3245795 (VCV003245795.1).